The following is an entry in ClinVar:

ClinVar aggregate classification (germline): Uncertain significance (1 of 4 stars; one submission).

Submission:

Labcorp Genetics (formerly Invitae), Labcorp
Classification: Uncertain significance. Last evaluated: 2023-07-16. Review status: criteria provided, single submitter. Criteria: Invitae Variant Classification Sherloc (09022015). Collection method: clinical testing. Allele origin: germline.
Comment: In summary, the available evidence is currently insufficient to determine the role of this variant in disease. Therefore, it has been classified as a Variant of Uncertain Significance. Advanced modeling of protein sequence and biophysical properties (such as structural, functional, and spatial information, amino acid conservation, physicochemical variation, residue mobility, and thermodynamic stability) performed at Invitae indicates that this missense variant is not expected to disrupt USH2A protein function. ClinVar contains an entry for this variant (Variation ID: 2012759). This variant has not been reported in the literature in individuals affected with USH2A-related conditions. This variant is not present in population databases (gnomAD no frequency). This sequence change replaces aspartic acid, which is acidic and polar, with glutamic acid, which is acidic and polar, at codon 2971 of the USH2A protein (p.Asp2971Glu).

NM_206933.4(USH2A):c.8913C>G (p.Asp2971Glu)

Gene: USH2A (usherin; minus strand). Cytogenetic location: 1q41.
Variant type: single nucleotide variant.
Coding change: c.8913C>G on transcript NM_206933.4 (MANE Select); coding-DNA position 8913, C replaced by G.
Protein change: p.Asp2971Glu; replaces aspartic acid 2971 with glutamic acid.
Molecular consequence: missense variant.
Genome position (GRCh38, 1-based): chr1:215,845,966, G>C on the plus strand (C>G on the coding strand, the complement: USH2A is on the minus strand). VCF-style: chr1-215845966-G-C. GRCh37 (hg19) VCF-style: chr1-216019308-G-C.
Other names: short protein forms D2971E.
Identifiers: ClinVar variation 2012759 (VCV002012759.4), dbSNP rs563981138, ClinGen allele CA344841675.